The following is an entry in ClinVar:

ClinVar aggregate classification (germline): Uncertain significance. Review status: criteria provided, multiple submitters, no conflicts (2 of 4 stars). 2 submissions from 2 submitters: Uncertain significance (2). Last evaluated 2024-01-29.

Conditions:
Postaxial polydactyly-anterior pituitary anomalies-facial dysmorphism syndrome. Also called: Culler-Jones syndrome. Identifiers: Orphanet 420584, MedGen C4014479, MONDO:0014369, OMIM 615849.
Holoprosencephaly 9 (HPE9). Also called: PITUITARY ANOMALIES WITH HOLOPROSENCEPHALY-LIKE FEATURES; HOLOPROSENCEPHALY WITH MICROPHTHALMIA AND FIRST BRANCHIAL ARCH ANOMALIES. Identifiers: Orphanet 2162, MedGen C1835819, MONDO:0012563, OMIM 610829.
Inborn genetic diseases. Identifiers: MedGen C0950123, MeSH D030342.

Allele frequency attached by ClinVar (database versions not stated): ExAC 0.00002; gnomAD 0.00002; TOPMed 0.00002.

Submissions (2):

Labcorp Genetics (formerly Invitae), Labcorp
Classification: Uncertain significance for Postaxial polydactyly-anterior pituitary anomalies-facial dysmorphism syndrome; Holoprosencephaly 9. Last evaluated: 2024-01-29. Review status: criteria provided, single submitter. Criteria: Invitae Variant Classification Sherloc (09022015). Collection method: clinical testing. Allele origin: germline.
Comment: This sequence change replaces serine, which is neutral and polar, with leucine, which is neutral and non-polar, at codon 255 of the GLI2 protein (p.Ser255Leu). This variant is present in population databases (rs767570213, gnomAD 0.0009%). This variant has not been reported in the literature in individuals affected with GLI2-related conditions. ClinVar contains an entry for this variant (Variation ID: 2391336). Advanced modeling of protein sequence and biophysical properties (such as structural, functional, and spatial information, amino acid conservation, physicochemical variation, residue mobility, and thermodynamic stability) performed at Invitae indicates that this missense variant is expected to disrupt GLI2 protein function with a positive predictive value of 80%. In summary, the available evidence is currently insufficient to determine the role of this variant in disease. Therefore, it has been classified as a Variant of Uncertain Significance.

Ambry Genetics
Classification: Uncertain significance for Inborn genetic diseases. Last evaluated: 2021-07-08. Review status: criteria provided, single submitter. Criteria: Ambry Variant Classification Scheme 2023. Collection method: clinical testing. Allele origin: germline.
Comment: The c.764C>T (p.S255L) alteration is located in exon 5 (coding exon 5) of the GLI2 gene. This alteration results from a C to T substitution at nucleotide position 764, causing the serine (S) at amino acid position 255 to be replaced by a leucine (L). The in silico prediction for the p.S255L alteration is inconclusive. Based on insufficient or conflicting evidence, the clinical significance of this alteration remains unclear.

NM_001374353.1(GLI2):c.764C>T (p.Ser255Leu)

Gene: GLI2 (GLI family zinc finger 2; plus strand). Cytogenetic location: 2q14.2.
Variant type: single nucleotide variant.
Coding change: c.764C>T on transcript NM_001374353.1 (MANE Select); coding-DNA position 764, C replaced by T.
Protein change: p.Ser255Leu; replaces serine 255 with leucine.
Molecular consequence: missense variant.
Genome position (GRCh38, 1-based): chr2:120,968,834, C>T. VCF-style: chr2-120968834-C-T. GRCh37 (hg19) VCF-style: chr2-121726410-C-T.
Other names: c.764C>T, p.Ser255Leu (NM_001371271.1, NM_005270.5); c.389C>T, p.Ser130Leu (NM_001374354.1); short protein forms S130L, S255L.
Identifiers: ClinVar variation 2391336 (VCV002391336.5), dbSNP rs767570213, ClinGen allele CA1851653.
Genomic context (GRCh38, chr2:120,968,834, plus strand): 5'-TCTCCCCACTCTCAGACGCCAGCCTGGACCTGCAGCGGATGATCCGCACCTCACCCAACT[C>T]GCTAGTGGCCTACATCAACAACTCCCGAAGCAGCTCGGCGGCCAGCGGTTCCTACGGGCA-3'
Protein context (NP_001361282.1, residues 245-265): LQRMIRTSPN[Ser255Leu]LVAYINNSRS